The following is an entry in ClinVar:

NM_203290.4(POLR1C):c.134del (p.Phe45fs)

Gene: POLR1C (RNA polymerase I and III subunit C; plus strand). Cytogenetic location: 6p21.1.
Variant type: Deletion.
Coding change: c.134del on transcript NM_203290.4 (MANE Select); coding-DNA position 134, one base deleted (T; older notation c.134delT).
Protein change: p.Phe45fs; shifts the reading frame from phenylalanine 45.
Molecular consequence: frameshift variant.
Genome position (GRCh38, 1-based): chr6:43,517,370, T deleted; the last of 2 consecutive T bases (chr6:43,517,369-43,517,370); deleting either gives the same sequence. VCF-style (leftmost placement, unchanged base first): chr6-43517368-CT-C. GRCh37 (hg19) VCF-style: chr6-43485106-CT-C.
Other names: c.134del, p.Phe45fs (NM_001318876.2, NM_001363658.2); short protein forms F45fs.
Identifiers: ClinVar variation 5007064 (VCV005007064.2).

ClinVar aggregate classification (germline): Likely pathogenic (1 of 4 stars; one submission).

Conditions:
Leukodystrophy, hypomyelinating, 11. Identifiers: Orphanet 88637, MedGen C4225305, MONDO:0014666, OMIM 616494.
Treacher Collins syndrome 3 (TCS3). Also called: POLR1C-Related Treacher Collins Syndrome. Identifiers: Orphanet 861, MedGen C1855433, MONDO:0009558, OMIM 248390.

Submission:

Juno Genomics, Hangzhou Juno Genomics, Inc
Classification: Likely pathogenic for Treacher Collins syndrome 3; Leukodystrophy, hypomyelinating, 11. Review status: criteria provided, single submitter. Criteria: ACMG Guidelines, 2015. Collection method: clinical testing. Allele origin: germline.
Comment: Null variant in a gene where loss of function (LOF) is a known mechanism of disease.;Absent from controls (or at extremely low frequency if recessive) in Genome Aggregation Database.